The following is an entry in ClinVar:

ClinVar aggregate classification (germline): Uncertain significance (1 of 4 stars; one submission).

Conditions:
Bloom syndrome (BLM). Also called: Bloom-Torre-Machacek syndrome. Identifiers: Orphanet 125, MedGen C0005859, MONDO:0008876, OMIM 210900.

Submission:

Labcorp Genetics (formerly Invitae), Labcorp
Classification: Uncertain significance for Bloom syndrome. Last evaluated: 2020-04-17. Review status: criteria provided, single submitter. Criteria: Invitae Variant Classification Sherloc (09022015). Collection method: clinical testing. Allele origin: germline.
Comment: In summary, the available evidence is currently insufficient to determine the role of this variant in disease. Therefore, it has been classified as a Variant of Uncertain Significance. Algorithms developed to predict the effect of missense changes on protein structure and function are either unavailable or do not agree on the potential impact of this missense change (SIFT: "Tolerated"; PolyPhen-2: "Probably Damaging"; Align-GVGD: "Class C0"). This variant has not been reported in the literature in individuals with BLM-related conditions. This variant is not present in population databases (ExAC no frequency). This sequence change replaces histidine with arginine at codon 1140 of the BLM protein (p.His1140Arg). The histidine residue is moderately conserved and there is a small physicochemical difference between histidine and arginine.

NM_000057.4(BLM):c.3419A>G (p.His1140Arg)

Gene: BLM (BLM RecQ like helicase; plus strand). Cytogenetic location: 15q26.1.
Variant type: single nucleotide variant.
Coding change: c.3419A>G on transcript NM_000057.4 (MANE Select); coding-DNA position 3419, A replaced by G.
Protein change: p.His1140Arg; replaces histidine 1140 with arginine.
Molecular consequence: missense variant. On other transcripts: intron variant (1).
Genome position (GRCh38, 1-based): chr15:90,803,581, A>G. VCF-style: chr15-90803581-A-G. GRCh37 (hg19) VCF-style: chr15-91346811-A-G.
Other names: c.3419A>G, p.His1140Arg (NM_001287246.2); c.2294A>G, p.His765Arg (NM_001287248.2); c.3358+5244A>G (NM_001287247.2); short protein forms H1140R, H765R.
Identifiers: ClinVar variation 1037601 (VCV001037601.9), dbSNP rs1897214323, ClinGen allele CA393847550.
Genomic context (GRCh38, chr15:90,803,581, plus strand): 5'-GGAGTAAGAGTGCAAAAATCCAGTCAGGTATATTTGGAAAAGGATCTGCTTATTCACGAC[A>G]CAATGCCGAAAGACTTTTTAAAAAGCTGATACTTGACAAGATTTTGGATGAAGACTTATA-3'
Protein context (NP_000048.1, residues 1130-1150): IFGKGSAYSR[His1140Arg]NAERLFKKLI